The following is an entry in ClinVar:

ClinVar aggregate classification (germline): Likely benign. Review status: criteria provided, multiple submitters, no conflicts (2 of 4 stars). 2 submissions from 2 submitters: Likely benign (2). Last evaluated 2025-09-01.

Conditions:
Hereditary spastic paraplegia 30. Identifiers: Orphanet 101010, MedGen C5235139, MONDO:0012476.
Neuropathy, hereditary sensory, type 2C. Also called: Hereditary sensory and autonomic neuropathy type IIC; KIF1A-Related HSAN2 (HSAN2C). Identifiers: Orphanet 970, MedGen C3280168, MONDO:0013634, OMIM 614213.
Intellectual disability, autosomal dominant 9 (NESCAVS). Also called: NESCAV SYNDROME; KIF1A-Related Neurodevelopmental Disorder. Identifiers: Orphanet 662367, MedGen C5393830, MONDO:0013656, OMIM 614255.

Submissions (2):

Labcorp Genetics (formerly Invitae), Labcorp
Classification: Likely benign for Hereditary spastic paraplegia 30; Neuropathy, hereditary sensory, type 2C; Intellectual disability, autosomal dominant 9. Last evaluated: 2025-09-01. Review status: criteria provided, single submitter. Criteria: Invitae Variant Classification Sherloc (09022015). Collection method: clinical testing. Allele origin: germline.

Women's Health and Genetics/Laboratory Corporation of America, LabCorp
Classification: Likely benign. Last evaluated: 2025-06-26. Review status: criteria provided, single submitter. Criteria: LabCorp Variant Classification Summary - May 2015. Collection method: clinical testing. Allele origin: germline.
Comment: Variant summary: KIF1A c.3704+17delC alters a nucleotide located at a position not widely known to affect splicing. Consensus agreement among computation tools predict no significant impact on normal splicing. However, these predictions have yet to be confirmed by functional studies. The variant allele was found at a frequency of 8e-06 in 249022 control chromosomes (gnomAD). The available data on variant occurrences in the general population are insufficient to allow any conclusion about variant significance. To our knowledge, no occurrence of c.3704+17delC in individuals affected with Neuropathy, hereditary sensory, type 2C and no experimental evidence demonstrating its impact on protein function have been reported. ClinVar contains an entry for this variant (Variation ID: 1594621). Based on the evidence outlined above, the variant was classified as likely benign.

NM_001244008.2(KIF1A):c.4007+17del

Gene: KIF1A (kinesin family member 1A; minus strand). Cytogenetic location: 2q37.3.
Variant type: Deletion.
Coding change: c.4007+17del on transcript NM_001244008.2 (MANE Select); 17 bases into the intron after coding-DNA position 4007, one base deleted (C; older notation c.4007+17delC).
Molecular consequence: intron variant.
Genome position (GRCh38, 1-based): chr2:240,737,046, G deleted on the plus strand (C on the coding strand, the reverse complement: KIF1A is on the minus strand); the first of 3 consecutive G bases (chr2:240,737,046-240,737,048); deleting any one gives the same sequence. VCF-style (leftmost placement, unchanged base first): chr2-240737045-AG-A. GRCh37 (hg19) VCF-style: chr2-241676462-AG-A.
Other names: c.3704+17delC (NM_004321.8); c.3704+17del (NM_001379653.1, NM_001379650.1, NM_001379641.1 and 4 more transcripts); c.3980+17del (NM_001379645.1, NM_001379633.1, NM_001379642.1); c.3806+17del (NM_001379635.1, NM_001330290.2, NM_001379646.1 and 1 more transcripts); c.3701+17del (NM_001379640.1); c.3818+17del (NM_001379636.1); c.3956+17del (NM_001379632.1); c.3779+17del (NM_001379637.1, NM_001379648.1); and 2 more.
Identifiers: ClinVar variation 1594621 (VCV001594621.9), dbSNP rs778729761, ClinGen allele CA2207551.